The following is an entry in ClinVar:

NM_005142.3(CBLIF):c.371-4G>A

Gene: CBLIF (cobalamin binding intrinsic factor; minus strand). Cytogenetic location: 11q12.1.
Variant type: single nucleotide variant.
Coding change: c.371-4G>A on transcript NM_005142.3 (MANE Select); 4 bases into the intron before coding-DNA position 371, G replaced by A.
Molecular consequence: intron variant.
Genome position (GRCh38, 1-based): chr11:59,842,587, C>T on the plus strand (G>A on the coding strand, the complement: CBLIF is on the minus strand). VCF-style: chr11-59842587-C-T. GRCh37 (hg19) VCF-style: chr11-59610060-C-T.
Identifiers: ClinVar variation 1938947 (VCV001938947.5), dbSNP rs571705827, ClinGen allele CA6021585.

ClinVar aggregate classification (germline): Uncertain significance (1 of 4 stars; one submission).

Conditions:
Hereditary intrinsic factor deficiency (IFD). Also called: Congenital intrinsic factor deficiency; PERNICIOUS ANEMIA, CONGENITAL, DUE TO DEFECT OF INTRINSIC FACTOR. Identifiers: Orphanet 332, MedGen C2062370, MONDO:0009852, OMIM 261000.

Allele frequency attached by ClinVar (database versions not stated): gnomAD exomes below 0.00001; ExAC 0.00001; gnomAD 0.00001; 1000 Genomes Project 30x 0.00016; 1000 Genomes Project 0.00020.
gnomAD v4.1: 3 of 1,613,570 alleles (0.00019%); highest among the groups gnomAD compares: East Asian, 0.0022%; no homozygotes.

Submission:

Labcorp Genetics (formerly Invitae), Labcorp
Classification: Uncertain significance for Hereditary intrinsic factor deficiency. Last evaluated: 2021-11-04. Review status: criteria provided, single submitter. Criteria: Invitae Variant Classification Sherloc (09022015). Collection method: clinical testing. Allele origin: germline.
Comment: This sequence change falls in intron 3 of the GIF gene. It does not directly change the encoded amino acid sequence of the GIF protein. This variant is present in population databases (rs571705827, gnomAD 0.006%). This variant has been observed in individual(s) with clinical features of intrinsic factor deficiency (Invitae). In at least one individual the data is consistent with the variant being in trans (on the opposite chromosome) from a pathogenic variant. Algorithms developed to predict the effect of sequence changes on RNA splicing suggest that this variant may create or strengthen a splice site. In summary, the available evidence is currently insufficient to determine the role of this variant in disease. Therefore, it has been classified as a Variant of Uncertain Significance.